The following is an entry in ClinVar:

ClinVar aggregate classification (germline): Uncertain significance (1 of 4 stars; one submission).

gnomAD v4.1: 6 of 1,613,968 alleles (0.00037%); highest among the groups gnomAD compares: Non-Finnish European, 0.00051%; no homozygotes.

Submission:

Labcorp Genetics (formerly Invitae), Labcorp
Classification: Uncertain significance. Last evaluated: 2023-05-20. Review status: criteria provided, single submitter. Criteria: Invitae Variant Classification Sherloc (09022015). Collection method: clinical testing. Allele origin: germline.
Comment: Advanced modeling of protein sequence and biophysical properties (such as structural, functional, and spatial information, amino acid conservation, physicochemical variation, residue mobility, and thermodynamic stability) performed at Invitae indicates that this missense variant is not expected to disrupt KRT6C protein function. This variant has not been reported in the literature in individuals affected with KRT6C-related conditions. This variant is present in population databases (rs374280857, gnomAD 0.002%). This sequence change replaces aspartic acid, which is acidic and polar, with glutamic acid, which is acidic and polar, at codon 372 of the KRT6C protein (p.Asp372Glu). In summary, the available evidence is currently insufficient to determine the role of this variant in disease. Therefore, it has been classified as a Variant of Uncertain Significance.

NM_173086.5(KRT6C):c.1116C>G (p.Asp372Glu)

Gene: KRT6C (keratin 6C; minus strand). Cytogenetic location: 12q13.13.
Variant type: single nucleotide variant.
Coding change: c.1116C>G on transcript NM_173086.5 (MANE Select); coding-DNA position 1116, C replaced by G.
Protein change: p.Asp372Glu; replaces aspartic acid 372 with glutamic acid.
Molecular consequence: missense variant.
Genome position (GRCh38, 1-based): chr12:52,470,592, G>C on the plus strand (C>G on the coding strand, the complement: KRT6C is on the minus strand). VCF-style: chr12-52470592-G-C. GRCh37 (hg19) VCF-style: chr12-52864376-G-C.
Other names: short protein forms D372E.
Identifiers: ClinVar variation 2983704 (VCV002983704.3), dbSNP rs374280857, ClinGen allele CA6581248.